The following is an entry in ClinVar:

NM_001375808.2(LPIN2):c.2385G>C (p.Lys795Asn)

Gene: LPIN2 (lipin 2; minus strand). Cytogenetic location: 18p11.31.
Variant type: single nucleotide variant.
Coding change: c.2385G>C on transcript NM_001375808.2 (MANE Select); coding-DNA position 2385, G replaced by C.
Protein change: p.Lys795Asn; replaces lysine 795 with asparagine.
Molecular consequence: missense variant.
Genome position (GRCh38, 1-based): chr18:2,921,590, C>G on the plus strand (G>C on the coding strand, the complement: LPIN2 is on the minus strand). VCF-style: chr18-2921590-C-G. GRCh37 (hg19) VCF-style: chr18-2921588-C-G.
Other names: c.2385G>C, p.Lys795Asn (NM_001375809.1, NM_014646.2); short protein forms K795N.
Identifiers: ClinVar variation 1444814 (VCV001444814.7), dbSNP rs775976047, ClinGen allele CA8872743.

ClinVar aggregate classification (germline): Uncertain significance. Review status: criteria provided, multiple submitters, no conflicts (2 of 4 stars). 2 submissions from 2 submitters: Uncertain significance (2). Last evaluated 2025-07-16.

Conditions:
Inborn genetic diseases. Identifiers: MedGen C0950123, MeSH D030342.
Majeed syndrome (MJDS). Also called: CHRONIC RECURRENT MULTIFOCAL OSTEOMYELITIS 1, WITH CONGENITAL DYSERYTHROPOIETIC ANEMIA, WITH OR WITHOUT NEUTROPHILIC DERMATOSIS; LPIN2-Related Majeed Syndrome. Identifiers: Orphanet 77297, MedGen C1864997, MONDO:0012316, OMIM 609628.

Allele frequency attached by ClinVar (database versions not stated): gnomAD exomes below 0.00001; ExAC 0.00001.
gnomAD v4.1: 6 of 1,614,036 alleles (0.00037%); highest among the groups gnomAD compares: Non-Finnish European, 0.00051%; no homozygotes.

Submissions (2):

Ambry Genetics
Classification: Uncertain significance for Inborn genetic diseases. Last evaluated: 2025-07-16. Review status: criteria provided, single submitter. Criteria: Ambry Variant Classification Scheme 2023. Collection method: clinical testing. Allele origin: germline.

Labcorp Genetics (formerly Invitae), Labcorp
Classification: Uncertain significance for Majeed syndrome. Last evaluated: 2022-03-13. Review status: criteria provided, single submitter. Criteria: Invitae Variant Classification Sherloc (09022015). Collection method: clinical testing. Allele origin: germline.
Comment: This sequence change replaces lysine, which is basic and polar, with asparagine, which is neutral and polar, at codon 795 of the LPIN2 protein (p.Lys795Asn). This variant is present in population databases (rs775976047, gnomAD 0.002%). This variant has not been reported in the literature in individuals affected with LPIN2-related conditions. Algorithms developed to predict the effect of missense changes on protein structure and function (SIFT, PolyPhen-2, Align-GVGD) all suggest that this variant is likely to be disruptive. In summary, the available evidence is currently insufficient to determine the role of this variant in disease. Therefore, it has been classified as a Variant of Uncertain Significance.